The following is an entry in ClinVar:

NM_004629.2(FANCG):c.196G>A (p.Val66Ile)

Gene: FANCG (FA complementation group G; minus strand). Cytogenetic location: 9p13.3.
Variant type: single nucleotide variant.
Coding change: c.196G>A on transcript NM_004629.2 (MANE Select); coding-DNA position 196, G replaced by A.
Protein change: p.Val66Ile; replaces valine 66 with isoleucine.
Molecular consequence: missense variant.
Genome position (GRCh38, 1-based): chr9:35,078,716, C>T on the plus strand (G>A on the coding strand, the complement: FANCG is on the minus strand). VCF-style: chr9-35078716-C-T. GRCh37 (hg19) VCF-style: chr9-35078713-C-T.
Other names: short protein forms V66I.
Identifiers: ClinVar variation 134364 (VCV000134364.1), dbSNP rs587778346, ClinGen allele CA159607.

ClinVar aggregate classification (germline): not provided (0 of 4 stars; one submission).

Submission:

ITMI
No classification provided. Condition: AllHighlyPenetrant. Last evaluated: 2013-09-19. Review status: no classification provided. Collection method: reference population. Allele origin: germline.
Comment: Please see associated publication for description of ethnicities

Literature cited by the submitters: PubMed 24728327.